The following is an entry in ClinVar:

ClinVar aggregate classification (germline): Uncertain significance (1 of 4 stars; one submission).

Allele frequency attached by ClinVar (database versions not stated): gnomAD exomes below 0.00001; ExAC 0.00001.
gnomAD v4.1: 1 of 1,613,250 alleles (0.000062%); highest among the groups gnomAD compares: Non-Finnish European, 0.000085%; no homozygotes.

Submission:

Labcorp Genetics (formerly Invitae), Labcorp
Classification: Uncertain significance. Last evaluated: 2023-12-21. Review status: criteria provided, single submitter. Criteria: Invitae Variant Classification Sherloc (09022015). Collection method: clinical testing. Allele origin: germline.
Comment: This sequence change affects codon 562 of the GATAD2B mRNA. It is a 'silent' change, meaning that it does not change the encoded amino acid sequence of the GATAD2B protein. This variant is present in population databases (rs780009907, gnomAD 0.0009%). This variant has not been reported in the literature in individuals affected with GATAD2B-related conditions. Algorithms developed to predict the effect of sequence changes on RNA splicing suggest that this variant may disrupt the consensus splice site. In summary, the available evidence is currently insufficient to determine the role of this variant in disease. Therefore, it has been classified as a Variant of Uncertain Significance.

NM_020699.4(GATAD2B):c.1686A>G (p.Gly562=)

Gene: GATAD2B (GATA zinc finger domain containing 2B; minus strand). Cytogenetic location: 1q21.3.
Variant type: single nucleotide variant.
Coding change: c.1686A>G on transcript NM_020699.4 (MANE Select); coding-DNA position 1686, A replaced by G.
Protein change: p.Gly562=; no amino-acid change (glycine 562 retained).
Molecular consequence: synonymous variant.
Genome position (GRCh38, 1-based): chr1:153,810,273, T>C on the plus strand (A>G on the coding strand, the complement: GATAD2B is on the minus strand). VCF-style: chr1-153810273-T-C. GRCh37 (hg19) VCF-style: chr1-153782749-T-C.
Identifiers: ClinVar variation 2713667 (VCV002713667.3), dbSNP rs780009907, ClinGen allele CA1120582.